The following is an entry in ClinVar:

NM_000553.6(WRN):c.3886A>G (p.Lys1296Glu)

Gene: WRN (WRN RecQ like helicase; plus strand). Cytogenetic location: 8p12.
Variant type: single nucleotide variant.
Coding change: c.3886A>G on transcript NM_000553.6 (MANE Select); coding-DNA position 3886, A replaced by G.
Protein change: p.Lys1296Glu; replaces lysine 1296 with glutamic acid.
Molecular consequence: missense variant.
Genome position (GRCh38, 1-based): chr8:31,157,434, A>G. VCF-style: chr8-31157434-A-G. GRCh37 (hg19) VCF-style: chr8-31014950-A-G.
Other names: short protein forms K1296E.
Identifiers: ClinVar variation 1517399 (VCV001517399.8), dbSNP rs1354326118, ClinGen allele CA370929414.

ClinVar aggregate classification (germline): Uncertain significance (1 of 4 stars; one submission).

Conditions:
Werner syndrome (WRN). Identifiers: Orphanet 902, MedGen C0043119, MONDO:0010196, OMIM 277700.

Allele frequency attached by ClinVar (database versions not stated): gnomAD 0.00001; gnomAD exomes 0.00001 and 0.00002; TOPMed 0.00001.
gnomAD v4.1: 12 of 1,614,026 alleles (0.00074%); highest among the groups gnomAD compares: Non-Finnish European, 0.001%; no homozygotes.

Submission:

Labcorp Genetics (formerly Invitae), Labcorp
Classification: Uncertain significance for Werner syndrome. Last evaluated: 2023-09-19. Review status: criteria provided, single submitter. Criteria: Invitae Variant Classification Sherloc (09022015). Collection method: clinical testing. Allele origin: germline.
Comment: ClinVar contains an entry for this variant (Variation ID: 1517399). This variant has not been reported in the literature in individuals affected with WRN-related conditions. This variant is present in population databases (no rsID available, gnomAD 0.002%). This sequence change replaces lysine, which is basic and polar, with glutamic acid, which is acidic and polar, at codon 1296 of the WRN protein (p.Lys1296Glu). An algorithm developed to predict the effect of missense changes on protein structure and function (PolyPhen-2) suggests that this variant is likely to be disruptive. In summary, the available evidence is currently insufficient to determine the role of this variant in disease. Therefore, it has been classified as a Variant of Uncertain Significance.